The following is an entry in ClinVar:

ClinVar aggregate classification (germline): Likely benign (0 of 4 stars; one submission).

Conditions:
PLXNA1-related disorder. Also called: PLXNA1-related condition.

gnomAD v4.1: 1 of 1,613,888 alleles (0.000062%); highest among the groups gnomAD compares: Non-Finnish European, 0.000085%; no homozygotes.

Submission:

PreventionGenetics, part of Exact Sciences
Classification: Likely benign for PLXNA1-related condition. Last evaluated: 2024-06-28. Review status: no assertion criteria provided. Collection method: clinical testing. Allele origin: germline.
Comment: This variant is classified as likely benign based on ACMG/AMP sequence variant interpretation guidelines (Richards et al. 2015 PMID: 25741868, with internal and published modifications).

NM_032242.4(PLXNA1):c.5106C>T (p.Phe1702=)

Gene: PLXNA1 (plexin A1; plus strand). Cytogenetic location: 3q21.3.
Variant type: single nucleotide variant.
Coding change: c.5106C>T on transcript NM_032242.4 (MANE Select); coding-DNA position 5106, C replaced by T.
Protein change: p.Phe1702=; no amino-acid change (phenylalanine 1702 retained).
Molecular consequence: synonymous variant.
Genome position (GRCh38, 1-based): chr3:127,030,287, C>T. VCF-style: chr3-127030287-C-T. GRCh37 (hg19) VCF-style: chr3-126749130-C-T.
Identifiers: ClinVar variation 3346474 (VCV003346474.1).